The following is an entry in ClinVar:

NM_013275.6(ANKRD11):c.3889_3891dup (p.Asn1297dup)

Gene: ANKRD11 (ankyrin repeat domain 11; minus strand). Cytogenetic location: 16q24.3.
Variant type: Duplication.
Coding change: c.3889_3891dup on transcript NM_013275.6 (MANE Select); coding-DNA positions 3889 to 3891, 3 bases duplicated (AAC; older notation c.3889_3891dupAAC).
Protein change: p.Asn1297dup; duplicates asparagine 1297.
Molecular consequence: inframe insertion.
Genome position (GRCh38, 1-based): chr16:89,282,651-89,282,653, GTT duplicated on the plus strand (AAC on the coding strand, the reverse complement: ANKRD11 is on the minus strand); duplicating any 3 consecutive bases within chr16:89,282,651-89,282,654 gives the same sequence; the c. name uses the placement nearest the transcript's 3' end. VCF-style (leftmost placement, unchanged base first): chr16-89282650-C-CGTT. GRCh37 (hg19) VCF-style: chr16-89349058-C-CGTT.
Other names: c.3889_3891dup, p.Asn1297dup (NM_001256182.2, NM_001256183.2); c.3889_3891dupAAC (NM_013275.5).
Identifiers: ClinVar variation 589709 (VCV000589709.16), dbSNP rs778998883, ClinGen allele CA8242265.
Genomic context (GRCh38, chr16:89,282,650, plus strand): 5'-TCAGCCCCGGCTCCTGCCCTCGGTCCGTGAAGCTGTCAGAGGAGACCTCGCTGATTTTAT[C>CGTT]GTTGGAGTCTTCTCTGTACTCATGGAGAGCCTCTTCTTCCAACTTTTCAAGCAGGCTTTT-3'

ClinVar aggregate classification (germline): Benign/Likely benign. Review status: criteria provided, multiple submitters, no conflicts (2 of 4 stars). 4 submissions from 4 submitters: Benign (1); Likely benign (2). 1 of the submissions does not count toward it. Last evaluated 2025-11-17.

Conditions:
Inborn genetic diseases. Identifiers: MedGen C0950123, MeSH D030342.
ANKRD11-related disorder. Also called: ANKRD11-related condition.
KBG syndrome (KBGS). Also called: ANKRD11-Related KBG Syndrome. Identifiers: Orphanet 2332, MedGen C0220687, MONDO:0007846, OMIM 148050.

Submissions (4):

Labcorp Genetics (formerly Invitae), Labcorp
Classification: Likely benign for KBG syndrome. Last evaluated: 2025-11-17. Review status: criteria provided, single submitter. Criteria: Invitae Variant Classification Sherloc (09022015). Collection method: clinical testing. Allele origin: germline.

Ambry Genetics
Classification: Likely benign for Inborn genetic diseases. Last evaluated: 2025-01-29. Review status: criteria provided, single submitter. Criteria: Ambry Variant Classification Scheme 2023. Collection method: clinical testing. Allele origin: germline.

GeneDx
Classification: Benign. Last evaluated: 2020-06-12. Review status: criteria provided, single submitter. Criteria: GeneDx Variant Classification Process June 2021. Collection method: clinical testing. Allele origin: germline. Affected: yes.

PreventionGenetics, part of Exact Sciences
Classification: Likely benign for ANKRD11-related condition. Last evaluated: 2022-03-15. Review status: no assertion criteria provided. Collection method: clinical testing. Allele origin: germline. Not counted in ClinVar's aggregate classification.
Comment: This variant is classified as likely benign based on ACMG/AMP sequence variant interpretation guidelines (Richards et al. 2015 PMID: 25741868, with internal and published modifications).